The following is an entry in ClinVar:

ClinVar aggregate classification (germline): Uncertain significance. Review status: criteria provided, multiple submitters, no conflicts (2 of 4 stars). 3 submissions from 3 submitters: Uncertain significance (3). Last evaluated 2025-04-24.

Conditions:
Inborn genetic diseases. Identifiers: MedGen C0950123, MeSH D030342.

Allele frequency attached by ClinVar (database versions not stated): gnomAD 0.00015; 1000 Genomes Project 30x 0.00016; 1000 Genomes Project 0.00020; TOPMed 0.00027; ExAC 0.00051.
gnomAD v4.1: 46 of 1,404,388 alleles (0.0033%); highest among the groups gnomAD compares: African/African-American, 0.045%; no homozygotes.

Submissions (3):

GeneDx
Classification: Uncertain significance. Last evaluated: 2025-04-24. Review status: criteria provided, single submitter. Criteria: GeneDx Variant Classification Process June 2021. Collection method: clinical testing. Allele origin: germline. Affected: yes.
Comment: In silico analysis indicates that this missense variant does not alter protein structure/function; Has not been previously published as pathogenic or benign to our knowledge

Ambry Genetics
Classification: Uncertain significance for Inborn genetic diseases. Last evaluated: 2024-06-16. Review status: criteria provided, single submitter. Criteria: Ambry Variant Classification Scheme 2023. Collection method: clinical testing. Allele origin: germline.

Labcorp Genetics (formerly Invitae), Labcorp
Classification: Uncertain significance. Last evaluated: 2022-04-28. Review status: criteria provided, single submitter. Criteria: Invitae Variant Classification Sherloc (09022015). Collection method: clinical testing. Allele origin: germline.
Comment: This sequence change replaces arginine, which is basic and polar, with glutamine, which is neutral and polar, at codon 9 of the MRPS34 protein (p.Arg9Gln). This variant is present in population databases (rs534007365, gnomAD 0.06%). This variant has not been reported in the literature in individuals affected with MRPS34-related conditions. Algorithms developed to predict the effect of missense changes on protein structure and function are either unavailable or do not agree on the potential impact of this missense change (SIFT: "Tolerated"; PolyPhen-2: "Probably Damaging"; Align-GVGD: "Class C0"). In summary, the available evidence is currently insufficient to determine the role of this variant in disease. Therefore, it has been classified as a Variant of Uncertain Significance.

NM_023936.2(MRPS34):c.26G>A (p.Arg9Gln)

Genes: EME2 (essential meiotic structure-specific endonuclease subunit 2; plus strand), MRPS34 (mitochondrial ribosomal protein S34; minus strand), LOC130058184 (ATAC-STARR-seq lymphoblastoid active region 10237; plus strand). Cytogenetic location: 16p13.3.
Variant type: single nucleotide variant.
Coding change: c.26G>A on transcript NM_023936.2 (MANE Select); coding-DNA position 26, G replaced by A.
Protein change: p.Arg9Gln; replaces arginine 9 with glutamine.
Molecular consequence: missense variant. On other transcripts: 5 prime UTR variant (1).
Genome position (GRCh38, 1-based): chr16:1,773,094, C>T on the plus strand (G>A on the coding strand, the complement: MRPS34 is on the minus strand). VCF-style: chr16-1773094-C-T. GRCh37 (hg19) VCF-style: chr16-1823095-C-T.
Other names: c.-134C>T (NM_001257370.2); c.26G>A, p.Arg9Gln (NM_001300900.2); short protein forms R9Q.
Identifiers: ClinVar variation 2383100 (VCV002383100.8), dbSNP rs534007365, ClinGen allele CA7818447.
Genomic context (GRCh38, chr16:1,773,094, plus strand): 5'-CGCGGCCTGTTCAGTTGCTCCCGCAGGGCGCGCACGCGGCGGGCCAGCTCCGCGATCAGC[C>T]GCGGACGCACCTTCTTCCGCGCCATGGCGGGTCCGCGTCCTCAGCGGTCCGGCCGGAAGT-3'
Protein context (NP_076425.1, residues 1-19): MARKKVRP[Arg9Gln]LIAELARRVR